The following is an entry in ClinVar:

ClinVar aggregate classification (germline): Conflicting classifications of pathogenicity. Review status: criteria provided, conflicting classifications (1 of 4 stars). 3 submissions from 3 submitters: Uncertain significance (2); Likely benign (1). Last evaluated 2026-04-06.

Conditions:
Lipodystrophy, partial, acquired, susceptibility to (APLD). Also called: APLD, SUSCEPTIBILITY TO. Identifiers: MedGen C3887501, MONDO:0100476, OMIM 608709.
Progressive myoclonic epilepsy type 9. Identifiers: Orphanet 457265, MedGen C4225289, MONDO:0014685, OMIM 616540.

Allele frequency attached by ClinVar (database versions not stated): gnomAD exomes 0.00002 and 0.00007; gnomAD 0.00003; TOPMed 0.00003; ExAC 0.00009.
gnomAD v4.1: 36 of 1,609,510 alleles (0.0022%); highest among the groups gnomAD compares: Non-Finnish European, 0.0027%; no homozygotes.

Submissions (3):

Women's Health and Genetics/Laboratory Corporation of America, LabCorp
Classification: Uncertain significance. Last evaluated: 2026-04-06. Review status: criteria provided, single submitter. Criteria: LabCorp Variant Classification Summary - May 2015. Collection method: clinical testing. Allele origin: germline.
Comment: Variant summary: LMNB2 c.1312C>T (p.Arg438Trp) results in a non-conservative amino acid change in the encoded protein sequence. Algorithms developed to predict the effect of missense changes on protein structure and function are either unavailable or do not agree on the potential impact of this missense change. The variant allele was found at a frequency of 7.2e-05 in 237388 control chromosomes, predominantly at a frequency of 0.00014 within the Non-Finnish European subpopulation in the gnomAD database. This frequency is not significantly higher than estimated for disease-causing variants in LMNB2, allowing no conclusion about variant significance. To our knowledge, no occurrence of c.1312C>T in individuals affected with LMNB2-related conditions and no experimental evidence demonstrating its impact on protein function have been reported. ClinVar contains an entry for this variant (Variation ID: 542438). Based on the evidence outlined above, the variant was classified as uncertain significance.

Labcorp Genetics (formerly Invitae), Labcorp
Classification: Likely benign for Progressive myoclonic epilepsy type 9; Lipodystrophy, partial, acquired, susceptibility to. Last evaluated: 2025-01-06. Review status: criteria provided, single submitter. Criteria: Invitae Variant Classification Sherloc (09022015). Collection method: clinical testing. Allele origin: germline.

Ambry Genetics
Classification: Uncertain significance. Last evaluated: 2023-10-06. Review status: criteria provided, single submitter. Criteria: Ambry Variant Classification Scheme 2023. Collection method: clinical testing. Allele origin: germline.

NM_032737.4(LMNB2):c.1312C>T (p.Arg438Trp)

Gene: LMNB2 (lamin B2; minus strand). Cytogenetic location: 19p13.3.
Variant type: single nucleotide variant.
Coding change: c.1312C>T on transcript NM_032737.4 (MANE Select); coding-DNA position 1312, C replaced by T.
Protein change: p.Arg438Trp; replaces arginine 438 with tryptophan.
Molecular consequence: missense variant.
Genome position (GRCh38, 1-based): chr19:2,433,996, G>A on the plus strand (C>T on the coding strand, the complement: LMNB2 is on the minus strand). VCF-style: chr19-2433996-G-A. GRCh37 (hg19) VCF-style: chr19-2433994-G-A.
Other names: c.1252C>T (NM_032737.2); short protein forms R438W.
Identifiers: ClinVar variation 542438 (VCV000542438.12), dbSNP rs780728738, ClinGen allele CA9067535.